The following is an entry in ClinVar:

ClinVar aggregate classification (germline): Likely benign (1 of 4 stars; one submission).

gnomAD v4.1: 1 of 1,612,072 alleles (0.000062%); highest among the groups gnomAD compares: Non-Finnish European, 0.000085%; no homozygotes.

Submission:

GeneDx
Classification: Likely benign. Last evaluated: 2017-04-18. Review status: criteria provided, single submitter. Criteria: GeneDx Variant Classification (06012015). Collection method: clinical testing. Allele origin: germline. Affected: yes.
Comment: This variant is considered likely benign or benign based on one or more of the following criteria: it is a conservative change, it occurs at a poorly conserved position in the protein, it is predicted to be benign by multiple in silico algorithms, and/or has population frequency not consistent with disease.

NM_014049.5(ACAD9):c.-11C>T

Gene: ACAD9 (acyl-CoA dehydrogenase family member 9; plus strand). Cytogenetic location: 3q21.3.
Variant type: single nucleotide variant.
Coding change: c.-11C>T on transcript NM_014049.5 (MANE Select); 11 bases upstream of the start codon, C replaced by T.
Molecular consequence: 5 prime UTR variant. On other transcripts: non-coding transcript variant (1).
Genome position (GRCh38, 1-based): chr3:128,879,681, C>T. VCF-style: chr3-128879681-C-T. GRCh37 (hg19) VCF-style: chr3-128598524-C-T.
Identifiers: ClinVar variation 508839 (VCV000508839.1), dbSNP rs959271889, ClinGen allele CA658796368.
Genomic context (GRCh38, chr3:128,879,681, plus strand): 5'-TCAGACGTGTGTGTGTCCCTGCGGCGCTAAGAAGGGGAGACTGAGGCTGAGGCTGGGGAA[C>T]ATCGGGCAGCATGAGCGGCTGCGGGCTCTTCCTGCGCACCACGGCTGCGGCTCGTGCCTG-3'